The following is an entry in ClinVar:

ClinVar aggregate classification (germline): Benign/Likely benign. Review status: criteria provided, multiple submitters, no conflicts (2 of 4 stars). 12 submissions from 12 submitters: Benign (9); Likely benign (2). 1 of the submissions does not count toward it. Last evaluated 2026-02-03.

Conditions:
Duchenne muscular dystrophy (DMD). Also called: Duchenne Muscular Dystrophy (DMD); MUSCULAR DYSTROPHY, PSEUDOHYPERTROPHIC PROGRESSIVE, DUCHENNE TYPE. Identifiers: Orphanet 98896, MedGen C0013264, MONDO:0010679, OMIM 310200.
Dystrophin deficiency.
Cardiomyopathy (CMYO). Also called: Cardiomyopathies. Identifiers: Orphanet 167848, MedGen C0878544, MONDO:0004994, HP:0001638. Inheritance: Various modes of inheritance.
Becker muscular dystrophy (BMD). Also called: Becker Muscular Dystrophy (BMD); MUSCULAR DYSTROPHY, PSEUDOHYPERTROPHIC PROGRESSIVE, BECKER TYPE. Identifiers: Orphanet 98895, MedGen C0917713, MONDO:0010311, OMIM 300376.
Cardiovascular phenotype. Identifiers: MedGen CN230736.

Allele frequency attached by ClinVar (database versions not stated): gnomAD exomes 0.00045 and 0.00127; ExAC 0.00146; gnomAD 0.00411 and 0.00436; 1000 Genomes Project 0.00503; ESP Exome Variant Server 0.00521; TOPMed 0.00522; 1000 Genomes Project 30x 0.00562.
gnomAD v4.1: 968 of 1,206,911 alleles (0.08%); highest among the groups gnomAD compares: African/African-American, 1.5%; 4 homozygotes.

Submissions (12):

Labcorp Genetics (formerly Invitae), Labcorp
Classification: Benign for Duchenne muscular dystrophy. Last evaluated: 2026-02-03. Review status: criteria provided, single submitter. Criteria: Invitae Variant Classification Sherloc (09022015). Collection method: clinical testing. Allele origin: germline.

Molecular Diagnostic Laboratory for Inherited Cardiovascular Disease, Montreal Heart Institute
Classification: Benign. Last evaluated: 2025-04-09. Review status: criteria provided, single submitter. Criteria: ACMG Guidelines, 2015. Collection method: clinical testing. Allele origin: germline. Affected: no.
Comment: BS1;BP1;BP6

ARUP Laboratories, Molecular Genetics and Genomics, ARUP Laboratories
Classification: Benign. Last evaluated: 2025-03-26. Review status: criteria provided, single submitter. Criteria: ARUP Molecular Germline Variant Investigation Process 2024. Collection method: clinical testing. Allele origin: germline.

Blueprint Genetics
Classification: Likely benign. Last evaluated: 2024-10-24. Review status: criteria provided, single submitter. Criteria: ACMG Guidelines, 2015. Collection method: clinical testing. Allele origin: germline.

Mayo Clinic Laboratories, Mayo Clinic
Classification: Benign. Last evaluated: 2023-08-29. Review status: criteria provided, single submitter. Criteria: ACMG Guidelines, 2015. Collection method: clinical testing. Allele origin: germline. Observed: 9 variant alleles.
Comment: BS1, BS2

Women's Health and Genetics/Laboratory Corporation of America, LabCorp
Classification: Likely benign. Last evaluated: 2023-08-19. Review status: criteria provided, single submitter. Criteria: LabCorp Variant Classification Summary - May 2015. Collection method: clinical testing. Allele origin: germline.

Athena Diagnostics
Classification: Benign. Last evaluated: 2020-02-13. Review status: criteria provided, single submitter. Criteria: Athena Diagnostics Criteria. Collection method: clinical testing. Allele origin: unknown.

Ambry Genetics
Classification: Benign for Cardiovascular phenotype. Last evaluated: 2017-04-04. Review status: criteria provided, single submitter. Criteria: Ambry Variant Classification Scheme 2023. Collection method: clinical testing. Allele origin: germline.

GeneDx
Classification: Benign. Last evaluated: 2015-03-03. Review status: criteria provided, single submitter. Criteria: GeneDx Variant Classification Process June 2021. Collection method: clinical testing. Allele origin: germline. Affected: yes.

Laboratory for Molecular Medicine, Mass General Brigham Personalized Medicine
Classification: Benign. Last evaluated: 2015-01-13. Review status: criteria provided, single submitter. Criteria: LMM Criteria. Collection method: clinical testing. Allele origin: germline. Observed: 5 variant alleles.
Comment: p.Ala573Val in exon 15 of DMD: This variant is not expected to have clinical sig nificance because it has been identified in 1.4% (55/3831) of African American c hromosomes by the NHLBI Exome Sequencing Project (VS/; dbSNP rs5972599).

Breakthrough Genomics
Classification: Benign. Review status: criteria provided, single submitter. Criteria: ACMG Guidelines, 2015. Collection method: not provided. Allele origin: germline. Inheritance: X-linked inheritance. Affected: yes.

Natera, Inc.
Classification: Benign for Becker muscular dystrophy; Cardiomyopathy; Duchenne muscular dystrophy; Dystrophin deficiency. Last evaluated: 2020-04-11. Review status: no assertion criteria provided. Collection method: clinical testing. Allele origin: germline. Not counted in ClinVar's aggregate classification.

Literature cited by the submitters: PubMed 19937601 (cited by Athena Diagnostics).

NM_004006.3(DMD):c.1718C>T (p.Ala573Val)

Gene: DMD (dystrophin; minus strand). Cytogenetic location: Xp21.1.
Variant type: single nucleotide variant.
Coding change: c.1718C>T on transcript NM_004006.3 (MANE Select); coding-DNA position 1718, C replaced by T.
Protein change: p.Ala573Val; replaces alanine 573 with valine.
Molecular consequence: missense variant.
Genome position (GRCh38, 1-based): chrX:32,573,624, G>A on the plus strand (C>T on the coding strand, the complement: DMD is on the minus strand). VCF-style: chrX-32573624-G-A. GRCh37 (hg19) VCF-style: chrX-32591741-G-A.
Other names: c.1694C>T, p.Ala565Val (NM_000109.4); c.1706C>T, p.Ala569Val (NM_004009.3); c.1349C>T, p.Ala450Val (NM_004010.3); short protein forms A573V, A565V, A569V, A450V.
Identifiers: ClinVar variation 226566 (VCV000226566.29), dbSNP rs5972599, ClinGen allele CA10379745.